The following is an entry in ClinVar:

ClinVar aggregate classification (germline): Uncertain significance (1 of 4 stars; one submission).

Conditions:
Primary ciliary dyskinesia. Also called: Ciliary dyskinesia. Identifiers: Orphanet 244, MedGen C0008780, MONDO:0016575, HP:0012265.

Submission:

Labcorp Genetics (formerly Invitae), Labcorp
Classification: Uncertain significance for Primary ciliary dyskinesia. Last evaluated: 2021-05-26. Review status: criteria provided, single submitter. Criteria: Invitae Variant Classification Sherloc (09022015). Collection method: clinical testing. Allele origin: germline.
Comment: In summary, the available evidence is currently insufficient to determine the role of this variant in disease. Therefore, it has been classified as a Variant of Uncertain Significance. Algorithms developed to predict the effect of missense changes on protein structure and function are either unavailable or do not agree on the potential impact of this missense change (SIFT: "Tolerated"; PolyPhen-2: "Probably Damaging"; Align-GVGD: "Class C0"). This variant has not been reported in the literature in individuals with CCDC39-related conditions. This variant is not present in population databases (ExAC no frequency). This sequence change replaces alanine with valine at codon 90 of the CCDC39 protein (p.Ala90Val). The alanine residue is moderately conserved and there is a small physicochemical difference between alanine and valine.

NM_181426.2(CCDC39):c.269C>T (p.Ala90Val)

Gene: CCDC39 (coiled-coil domain 39 molecular ruler complex subunit; minus strand). Cytogenetic location: 3q26.33.
Variant type: single nucleotide variant.
Coding change: c.269C>T on transcript NM_181426.2 (MANE Select); coding-DNA position 269, C replaced by T.
Protein change: p.Ala90Val; replaces alanine 90 with valine.
Molecular consequence: missense variant.
Genome position (GRCh38, 1-based): chr3:180,661,949, G>A on the plus strand (C>T on the coding strand, the complement: CCDC39 is on the minus strand). VCF-style: chr3-180661949-G-A. GRCh37 (hg19) VCF-style: chr3-180379737-G-A.
Other names: short protein forms A90V.
Identifiers: ClinVar variation 1445806 (VCV001445806.8), dbSNP rs2108430167, ClinGen allele CA355304014.